The following is an entry in ClinVar:

NM_006231.4(POLE):c.4651C>T (p.His1551Tyr)

Gene: POLE (DNA polymerase epsilon, catalytic subunit; minus strand). Cytogenetic location: 12q24.33.
Variant type: single nucleotide variant.
Coding change: c.4651C>T on transcript NM_006231.4 (MANE Select); coding-DNA position 4651, C replaced by T.
Protein change: p.His1551Tyr; replaces histidine 1551 with tyrosine.
Molecular consequence: missense variant.
Genome position (GRCh38, 1-based): chr12:132,642,897, G>A on the plus strand (C>T on the coding strand, the complement: POLE is on the minus strand). VCF-style: chr12-132642897-G-A. GRCh37 (hg19) VCF-style: chr12-133219483-G-A.
Other names: c.4651C>T (NM_006231.2); short protein forms H1551Y.
Identifiers: ClinVar variation 574407 (VCV000574407.5), dbSNP rs750079093, ClinGen allele CA6892753.
Genomic context (GRCh38, chr12:132,642,897, plus strand): 5'-ATCGCTGGATGGCTCTGCAGATGGTCTTCAGGTCAGTTTCTGCCCGAACTTCGAAGGTGT[G>A]TTTGGGGGGTGGCAGGAGCTCAGGGCCCACCTTCTCCAGGAGGAGGCCGTGCTCTGCTGA-3'
Protein context (NP_006222.2, residues 1541-1561): VGPELLPPPK[His1551Tyr]TFEVRAETDL

ClinVar aggregate classification (germline): Uncertain significance. Review status: criteria provided, multiple submitters, no conflicts (2 of 4 stars). 2 submissions from 2 submitters: Uncertain significance (2). Last evaluated 2025-06-26.

Conditions:
Hereditary cancer-predisposing syndrome. Also called: Neoplastic Syndromes, Hereditary; Hereditary Cancer Syndrome; Tumor predisposition; Hereditary neoplastic syndrome. Identifiers: Orphanet 140162, MedGen C0027672, MeSH D009386, MONDO:0015356.

Allele frequency attached by ClinVar (database versions not stated): gnomAD exomes below 0.00001; ExAC 0.00001.
gnomAD v4.1: 2 of 1,613,814 alleles (0.00012%); highest among the groups gnomAD compares: Middle Eastern, 0.017%; no homozygotes.

Submissions (2):

Ambry Genetics
Classification: Uncertain significance for Hereditary cancer-predisposing syndrome. Last evaluated: 2025-06-26. Review status: criteria provided, single submitter. Criteria: Ambry Variant Classification Scheme 2023. Collection method: clinical testing. Allele origin: germline.
Comment: The p.H1551Y variant (also known as c.4651C>T), located in coding exon 36 of the POLE gene, results from a C to T substitution at nucleotide position 4651. The histidine at codon 1551 is replaced by tyrosine, an amino acid with similar properties. This amino acid position is conserved. In addition, the in silico prediction for this alteration is inconclusive. Based on the available evidence, the clinical significance of this variant remains unclear.

Labcorp Genetics (formerly Invitae), Labcorp
Classification: Uncertain significance. Last evaluated: 2024-11-18. Review status: criteria provided, single submitter. Criteria: Invitae Variant Classification Sherloc (09022015). Collection method: clinical testing. Allele origin: germline.
Comment: This sequence change replaces histidine, which is basic and polar, with tyrosine, which is neutral and polar, at codon 1551 of the POLE protein (p.His1551Tyr). This variant is present in population databases (rs750079093, gnomAD 0.003%). This variant has not been reported in the literature in individuals affected with POLE-related conditions. ClinVar contains an entry for this variant (Variation ID: 574407). Invitae Evidence Modeling of protein sequence and biophysical properties (such as structural, functional, and spatial information, amino acid conservation, physicochemical variation, residue mobility, and thermodynamic stability) indicates that this missense variant is not expected to disrupt POLE protein function with a negative predictive value of 80%. In summary, the available evidence is currently insufficient to determine the role of this variant in disease. Therefore, it has been classified as a Variant of Uncertain Significance.